The following is an entry in ClinVar:

ClinVar aggregate classification (germline): Uncertain significance. Review status: criteria provided, multiple submitters, no conflicts (2 of 4 stars). 2 submissions from 2 submitters: Uncertain significance (2). Last evaluated 2024-10-28.

Conditions:
AIRE-related disorder. Also called: AIRE-related condition.
Polyglandular autoimmune syndrome, type 1 (APS1). Also called: PGA I; Autoimmune polyendocrinopathy syndrome, type I; HYPOADRENOCORTICISM WITH HYPOPARATHYROIDISM AND SUPERFICIAL MONILIASIS; AUTOIMMUNE POLYENDOCRINE SYNDROME, TYPE I, WITH OR WITHOUT REVERSIBLE METAPHYSEAL DYSPLASIA; APS I; Whitaker syndrome. Identifiers: Orphanet 3453, MedGen C0085859, MONDO:0009411, OMIM 240300.

gnomAD v4.1: 33 of 1,596,516 alleles (0.0021%); highest among the groups gnomAD compares: African/African-American, 0.004%; no homozygotes.

Submissions (2):

Labcorp Genetics (formerly Invitae), Labcorp
Classification: Uncertain significance for Polyglandular autoimmune syndrome, type 1. Last evaluated: 2024-10-28. Review status: criteria provided, single submitter. Criteria: Invitae Variant Classification Sherloc (09022015). Collection method: clinical testing. Allele origin: germline.
Comment: This sequence change replaces glycine, which is neutral and non-polar, with serine, which is neutral and polar, at codon 462 of the AIRE protein (p.Gly462Ser). This variant is present in population databases (rs540790785, gnomAD 0.005%). This variant has not been reported in the literature in individuals affected with AIRE-related conditions. ClinVar contains an entry for this variant (Variation ID: 2139326). Invitae Evidence Modeling of protein sequence and biophysical properties (such as structural, functional, and spatial information, amino acid conservation, physicochemical variation, residue mobility, and thermodynamic stability) indicates that this missense variant is not expected to disrupt AIRE protein function with a negative predictive value of 95%. In summary, the available evidence is currently insufficient to determine the role of this variant in disease. Therefore, it has been classified as a Variant of Uncertain Significance.

PreventionGenetics, part of Exact Sciences
Classification: Uncertain significance for AIRE-related condition. Last evaluated: 2022-10-05. Review status: criteria provided, single submitter. Criteria: ACMG Guidelines, 2015. Collection method: clinical testing. Allele origin: germline.
Comment: The AIRE c.1384G>A variant is predicted to result in the amino acid substitution p.Gly462Ser. To our knowledge, this variant has not been reported in the literature. This variant is reported in 0.0051% of alleles in individuals of East Asian descent in gnomAD. At this time, the clinical significance of this variant is uncertain due to the absence of conclusive functional and genetic evidence.

NM_000383.4(AIRE):c.1384G>A (p.Gly462Ser)

Gene: AIRE (autoimmune regulator; plus strand). Cytogenetic location: 21q22.3.
Variant type: single nucleotide variant.
Coding change: c.1384G>A on transcript NM_000383.4 (MANE Select); coding-DNA position 1384, G replaced by A.
Protein change: p.Gly462Ser; replaces glycine 462 with serine.
Molecular consequence: missense variant.
Genome position (GRCh38, 1-based): chr21:44,293,894, G>A. VCF-style: chr21-44293894-G-A. GRCh37 (hg19) VCF-style: chr21-45713777-G-A.
Other names: c.1384G>A (NM_000383.3); short protein forms G462S.
Identifiers: ClinVar variation 2139326 (VCV002139326.4), dbSNP rs540790785, ClinGen allele CA10052080.